The following is an entry in ClinVar:

ClinVar aggregate classification (germline): Uncertain significance (1 of 4 stars; one submission).

Conditions:
Myofibrillar myopathy 3 (MFM3). Also called: Muscular dystrophy, proximal, type 1A; Autosomal dominant spheroid body myopathy. Identifiers: Orphanet 266, Orphanet 268129, MedGen C3714934, MONDO:0012215, OMIM 609200.

Submission:

Labcorp Genetics (formerly Invitae), Labcorp
Classification: Uncertain significance for Myofibrillar myopathy 3. Last evaluated: 2024-10-02. Review status: criteria provided, single submitter. Criteria: Invitae Variant Classification Sherloc (09022015). Collection method: clinical testing. Allele origin: germline.
Comment: This sequence change replaces leucine, which is neutral and non-polar, with phenylalanine, which is neutral and non-polar, at codon 471 of the MYOT protein (p.Leu471Phe). This variant is not present in population databases (gnomAD no frequency). This variant has not been reported in the literature in individuals affected with MYOT-related conditions. An algorithm developed to predict the effect of missense changes on protein structure and function (PolyPhen-2) suggests that this variant is likely to be disruptive. In summary, the available evidence is currently insufficient to determine the role of this variant in disease. Therefore, it has been classified as a Variant of Uncertain Significance.

NM_006790.3(MYOT):c.1413G>C (p.Leu471Phe)

Genes: MYOT (myotilin; plus strand), PKD2L2-DT (PKD2L2 divergent transcript; minus strand). Cytogenetic location: 5q31.2.
Variant type: single nucleotide variant.
Coding change: c.1413G>C on transcript NM_006790.3 (MANE Select); coding-DNA position 1413, G replaced by C.
Protein change: p.Leu471Phe; replaces leucine 471 with phenylalanine.
Molecular consequence: missense variant.
Genome position (GRCh38, 1-based): chr5:137,887,301, G>C. VCF-style: chr5-137887301-G-C. GRCh37 (hg19) VCF-style: chr5-137222990-G-C.
Other names: c.861G>C, p.Leu287Phe (NM_001135940.2); c.1068G>C, p.Leu356Phe (NM_001300911.2); short protein forms L287F, L471F, L356F.
Identifiers: ClinVar variation 3672082 (VCV003672082.2).
Genomic context (GRCh38, chr5:137,887,301, plus strand): 5'-TAAGCAGTTACGGGTTCGACCAACATTCAGCAAATATTTAGCACTTAATGGGAAAGGTTT[G>C]AATGTAAAACAAGCTTTTAACCCAGAAGGAGAATTTCAGCGTTTGGCAGCTCAATCTGGA-3'
Protein context (NP_006781.1, residues 461-481): SKYLALNGKG[Leu471Phe]NVKQAFNPEG